The following is an entry in ClinVar:

ClinVar aggregate classification (germline): Pathogenic (1 of 4 stars; one submission).

Submission:

GeneDx
Classification: Pathogenic. Last evaluated: 2024-09-26. Review status: criteria provided, single submitter. Criteria: GeneDx Variant Classification Process June 2021. Collection method: clinical testing. Allele origin: germline. Affected: yes.
Comment: Frameshift variant predicted to result in abnormal protein length as the last 1134 amino acids are replaced with 6 different amino acids, and other similar variants have been reported in HGMD; Not observed at significant frequency in large population cohorts (gnomAD); Has not been previously published as pathogenic or benign to our knowledge

NM_001371928.1(AHDC1):c.1409del (p.Gly470fs)

Gene: AHDC1 (AT-hook DNA binding motif containing 1; minus strand). Cytogenetic location: 1p36.11.
Variant type: Deletion.
Coding change: c.1409del on transcript NM_001371928.1 (MANE Select); coding-DNA position 1409, one base deleted (G; older notation c.1409delG).
Protein change: p.Gly470fs; shifts the reading frame from glycine 470.
Molecular consequence: frameshift variant.
Genome position (GRCh38, 1-based): chr1:27,550,707, C deleted on the plus strand (G on the coding strand, the reverse complement: AHDC1 is on the minus strand); the first of 4 consecutive C bases (chr1:27,550,707-27,550,710); deleting any one gives the same sequence. VCF-style (leftmost placement, unchanged base first): chr1-27550706-GC-G. GRCh37 (hg19) VCF-style: chr1-27877217-GC-G.
Other names: c.1409del, p.Gly470fs (NM_001029882.3); short protein forms G470fs.
Identifiers: ClinVar variation 3774853 (VCV003774853.1).
Genomic context (GRCh38, chr1:27,550,706, plus strand): 5'-CTTGTTCCGCCGCCCCAGCGATACGGGGATCTTGGCCATCTTCACCACCATGCGCCGCAC[GC>G]CCCGGCACTTGCCTTTGCGGGTAGAGACCACTGGGGTCTGGGAAGATTCCGGCTTCAACT-3'